The following is an entry in ClinVar:

NM_001184880.2(PCDH19):c.2118C>A (p.Asp706Glu)

Gene: PCDH19 (protocadherin 19; minus strand). Cytogenetic location: Xq22.1.
Variant type: single nucleotide variant.
Coding change: c.2118C>A on transcript NM_001184880.2 (MANE Select); coding-DNA position 2118, C replaced by A.
Protein change: p.Asp706Glu; replaces aspartic acid 706 with glutamic acid.
Molecular consequence: missense variant.
Genome position (GRCh38, 1-based): chrX:100,406,480, G>T on the plus strand (C>A on the coding strand, the complement: PCDH19 is on the minus strand). VCF-style: chrX-100406480-G-T. GRCh37 (hg19) VCF-style: chrX-99661478-G-T.
Other names: c.2118C>A, p.Asp706Glu (NM_001105243.2, NM_020766.3); c.2118C>A (NM_001184880.1); short protein forms D706E.
Identifiers: ClinVar variation 1041000 (VCV001041000.40), dbSNP rs1325807867, ClinGen allele CA414001247.

ClinVar aggregate classification (germline): Conflicting classifications of pathogenicity. Review status: criteria provided, conflicting classifications (1 of 4 stars). 3 submissions from 3 submitters: Uncertain significance (1); Likely benign (2). Last evaluated 2025-09-26.

Conditions:
Inborn genetic diseases. Identifiers: MedGen C0950123, MeSH D030342.
Developmental and epileptic encephalopathy, 9 (DEE9). Also called: Early infantile epileptic encephalopathy 9; EPILEPSY, FEMALE-RESTRICTED, WITH MENTAL RETARDATION; JUBERG-HELLMAN SYNDROME; PCDH19-Related X-Linked Female-Limited Epilepsy with Mental Retardation. Identifiers: Orphanet 101039, Orphanet 2076, MedGen C1848137, MONDO:0010246, OMIM 300088. Disease mechanism: loss of function.

Allele frequency attached by ClinVar (database versions not stated): TOPMed 0.00001; gnomAD exomes 0.00003; gnomAD 0.00005.
gnomAD v4.1: 28 of 1,205,073 alleles (0.0023%); highest among the groups gnomAD compares: Non-Finnish European, 0.0029%; no homozygotes.

Submissions (3):

Labcorp Genetics (formerly Invitae), Labcorp
Classification: Uncertain significance for Developmental and epileptic encephalopathy, 9. Last evaluated: 2025-09-26. Review status: criteria provided, single submitter. Criteria: Invitae Variant Classification Sherloc (09022015). Collection method: clinical testing. Allele origin: germline.
Comment: This sequence change replaces aspartic acid, which is acidic and polar, with glutamic acid, which is acidic and polar, at codon 706 of the PCDH19 protein (p.Asp706Glu). The frequency data for this variant in the population databases is considered unreliable, as metrics indicate poor data quality at this position in the gnomAD database. This variant has not been reported in the literature in individuals affected with PCDH19-related conditions. ClinVar contains an entry for this variant (Variation ID: 1041000). Invitae Evidence Modeling of protein sequence and biophysical properties (such as structural, functional, and spatial information, amino acid conservation, physicochemical variation, residue mobility, and thermodynamic stability) indicates that this missense variant is not expected to disrupt PCDH19 protein function with a negative predictive value of 95%. In summary, the available evidence is currently insufficient to determine the role of this variant in disease. Therefore, it has been classified as a Variant of Uncertain Significance.

Ambry Genetics
Classification: Likely benign for Inborn genetic diseases. Last evaluated: 2025-04-02. Review status: criteria provided, single submitter. Criteria: Ambry Variant Classification Scheme 2023. Collection method: clinical testing. Allele origin: germline.

CeGaT Center for Human Genetics Tuebingen
Classification: Likely benign. Last evaluated: 2022-03-01. Review status: criteria provided, single submitter. Criteria: CeGaT Center For Human Genetics Tuebingen Variant Classification Criteria Version 2. Collection method: clinical testing. Allele origin: germline. Affected: yes. Observed: 1 variant allele.
Comment: PCDH19: BS2